The following is an entry in ClinVar:

ClinVar aggregate classification (germline): Conflicting classifications of pathogenicity. Review status: criteria provided, conflicting classifications (1 of 4 stars). 12 submissions from 11 submitters: Uncertain significance (7); Likely benign (2). 3 of the submissions do not count toward it. Last evaluated 2026-07-01.

Conditions:
Multiple endocrine neoplasia type 2A. Also called: MULTIPLE ENDOCRINE NEOPLASIA, TYPE IIA; PTC SYNDROME; SIPPLE SYNDROME; MEN 2A; MEN-2A syndrome; Pheochromocytoma and amyloid producing medullary thyroid carcinoma. Identifiers: Orphanet 247698, Orphanet 653, MedGen C0025268, MeSH D018813, MONDO:0008234, OMIM 171400.
Pheochromocytoma. Also called: MAX-Related Hereditary Paraganglioma-Pheochromocytoma Syndrome. Identifiers: Orphanet 29072, MedGen C0031511, MONDO:0008233, OMIM 171300, HP:0002666.
Familial medullary thyroid carcinoma (MTC). Also called: Thyroid cancer, familial medullary; MTC, familial; Familial Medullary Thyroid Carcinoma (FMTC). Identifiers: Orphanet 653, Orphanet 99361, MedGen C1833921, MONDO:0007958, OMIM 155240.
Multiple endocrine neoplasia type 2B. Also called: MEN 2B; Multiple endocrine neoplasia, type 3; MULTIPLE ENDOCRINE NEOPLASIA, TYPE IIB; MUCOSAL NEUROMA SYNDROME; NEUROMATA, MUCOSAL, WITH ENDOCRINE TUMORS; WAGENMANN-FROBOESE SYNDROME. Identifiers: Orphanet 247709, Orphanet 653, MedGen C0025269, MeSH D018814, MONDO:0008082, OMIM 162300.
Hirschsprung disease, susceptibility to, 1 (HSCR1). Also called: RET-Related Hirschsprung Disease. Identifiers: Orphanet 388, MedGen C3888239, MONDO:0007723, OMIM 142623.
RET-related disorder. Also called: RET-related condition; RET-related disease; RET-related disorders.
Medullary thyroid carcinoma (MTC). Also called: Medullary thyroid gland carcinoma. Identifiers: Orphanet 1332, MedGen C0238462, MeSH C536914, MONDO:0015277, HP:0002865.
Hereditary cancer-predisposing syndrome. Also called: Neoplastic Syndromes, Hereditary; Tumor predisposition; Hereditary neoplastic syndrome; Hereditary Cancer Syndrome. Identifiers: Orphanet 140162, MedGen C0027672, MeSH D009386, MONDO:0015356.
Multiple endocrine neoplasia, type 2 (MEN2). Identifiers: Orphanet 653, MedGen C4048306, MONDO:0019003. Disease mechanism: gain of function.

Allele frequency attached by ClinVar (database versions not stated): gnomAD exomes 0.00002 and 0.00004; ExAC 0.00003; ESP Exome Variant Server 0.00008; gnomAD 0.00003; TOPMed 0.00005.
gnomAD v4.1: 30 of 1,611,792 alleles (0.0019%); highest among the groups gnomAD compares: Admixed American, 0.018%; no homozygotes.

Submissions (12):

CeGaT Center for Human Genetics Tuebingen
Classification: Likely benign. Last evaluated: 2026-07-01. Review status: criteria provided, single submitter. Criteria: CeGaT Center For Human Genetics Tuebingen Variant Classification Criteria Version 2. Collection method: clinical testing. Allele origin: germline. Affected: yes. Observed: 1 variant allele.
Comment: RET: BP4

Labcorp Genetics (formerly Invitae), Labcorp
Classification: Uncertain significance for Multiple endocrine neoplasia, type 2. Last evaluated: 2025-10-09. Review status: criteria provided, single submitter. Criteria: Invitae Variant Classification Sherloc (09022015). Collection method: clinical testing. Allele origin: germline.
Comment: This sequence change replaces glutamic acid, which is acidic and polar, with lysine, which is basic and polar, at codon 818 of the RET protein (p.Glu818Lys). This variant is present in population databases (rs377767420, gnomAD 0.01%). This missense change has been observed in individual(s) with clinical features of multiple endocrine neoplasia and/or medullary thyroid carcinoma (PMID: 18058472, 33340421). ClinVar contains an entry for this variant (Variation ID: 24943). An algorithm developed to predict the effect of missense changes on protein structure and function (PolyPhen-2) suggests that this variant is likely to be tolerated. In summary, the available evidence is currently insufficient to determine the role of this variant in disease. Therefore, it has been classified as a Variant of Uncertain Significance.

PreventionGenetics, part of Exact Sciences
Classification: Uncertain significance for RET-related condition. Last evaluated: 2025-09-04. Review status: criteria provided, single submitter. Criteria: ACMG Guidelines, 2015. Collection method: clinical testing. Allele origin: germline.
Comment: The RET c.2452G>A variant is predicted to result in the amino acid substitution p.Glu818Lys. This variant has been reported as uncertain in individuals with medullary thyroid carcinoma (Reported as 819 GAG>AAG, Paszko et al. 2007. PubMed ID: 18058472) and in an individual with medullary thyroid carcinoma plus pheochromocytoma (Fussey et al. 2021. PubMed ID: 33340421). This variant is reported in 0.015% of alleles in individuals of Latino descent in gnomAD and has conflicting interpretations in ClinVar, ranging from uncertain to likely benign (Variation ID: 24943). Although we suspect that this variant may be benign, at this time, the clinical significance of this variant is uncertain due to the absence of conclusive functional and genetic evidence.

Color Diagnostics, LLC DBA Color Health
Classification: Uncertain significance for Multiple endocrine neoplasia, type 2. Last evaluated: 2024-04-25. Review status: criteria provided, single submitter. Criteria: ACMG Guidelines, 2015. Collection method: clinical testing. Allele origin: germline.
Comment: This missense variant replaces glutamic acid with lysine at codon 818 of the RET protein. Computational prediction suggests that this variant may not impact protein structure and function. To our knowledge, functional studies have not been reported for this variant. This variant has been reported in at least two individuals affected with medullary thyroid cancer (PMID: 18058472, 33340421). This variant has been identified in 10/245698 chromosomes in the general population by the Genome Aggregation Database (gnomAD). The available evidence is insufficient to determine the role of this variant in disease conclusively. Therefore, this variant is classified as a Variant of Uncertain Significance.

Baylor Genetics
Classification: Uncertain significance for Hirschsprung disease, susceptibility to, 1. Last evaluated: 2024-03-09. Review status: criteria provided, single submitter. Criteria: ACMG Guidelines, 2015. Collection method: clinical testing. Allele origin: unknown.

Fulgent Genetics
Classification: Uncertain significance for Hirschsprung disease, susceptibility to, 1; Familial medullary thyroid carcinoma; Multiple endocrine neoplasia type 2B; Pheochromocytoma; Multiple endocrine neoplasia type 2A. Last evaluated: 2024-02-29. Review status: criteria provided, single submitter. Criteria: ACMG Guidelines, 2015. Collection method: clinical testing. Allele origin: germline.

Myriad Genetics, Inc.
Classification: Uncertain significance for Multiple endocrine neoplasia type 2A. Last evaluated: 2023-04-18. Review status: criteria provided, single submitter. Criteria: Myriad Autosomal Dominant, Autosomal Recessive and X-Linked Classification Criteria (2023). Collection method: clinical testing. Allele origin: unknown.
Comment: This variant is classified as a variant of uncertain significance as there is insufficient evidence to determine its impact on protein function and/or cancer risk.

Ambry Genetics
Classification: Likely benign for Hereditary cancer-predisposing syndrome. Last evaluated: 2022-09-02. Review status: criteria provided, single submitter. Criteria: Ambry Variant Classification Scheme 2023. Collection method: clinical testing. Allele origin: germline.

Sema4
Classification: Uncertain significance for Hereditary cancer-predisposing syndrome. Last evaluated: 2021-08-17. Review status: criteria provided, single submitter. Criteria: Sema4 Curation Guidelines. Collection method: curation. Allele origin: germline.
Comment: The RET c.2452G>A (p.E818K) variant has been reported in at least two individuals with medullary thyroid carcinoma with or without primary hyperparathyroidism or phaeochromocytoma (PMID:18058472, 33340421). It was observed in 5/34364 chromosomes of the Latino subpopulation in the large and broad cohorts of the Genome Aggregation Database (PMID: 32461654). The variant has been reported in ClinVar (Variation ID 24943). Functional studies have not been performed, and in silico predictions of the variant's effect on protein function are inconclusive. The evidence is insufficient to meet ACMG/AMP criteria for classifying the variant as benign or pathogenic. Thus, the clinical significance of this variant is currently uncertain.

Counsyl
Classification: Uncertain significance for Multiple endocrine neoplasia type 2B. Last evaluated: 2015-12-08. Review status: no assertion criteria provided. Collection method: clinical testing. Allele origin: unknown. Not counted in ClinVar's aggregate classification.

Counsyl
Classification: Uncertain significance for Multiple endocrine neoplasia type 2A. Last evaluated: 2015-12-08. Review status: no assertion criteria provided. Collection method: clinical testing. Allele origin: unknown. Not counted in ClinVar's aggregate classification.

CSER _CC_NCGL, University of Washington
Classification: Uncertain significance for Thyroid carcinoma, medullary. Last evaluated: 2014-06-01. Review status: no assertion criteria provided. Collection method: research. Allele origin: germline. Inheritance: Autosomal dominant inheritance. Study: ESP 6500 variant annotation. Not counted in ClinVar's aggregate classification.
Comment: Variants classified for the Actionable exomic incidental findings in 6503 participants: challenges of variant classification manuscript

Literature cited by the submitters: PubMed 18058472 (cited by 5 submitters); PubMed 33340421 (cited by 4 submitters); PubMed 21479187 (cited by Ambry Genetics and Counsyl); PubMed 25637381 (cited by Ambry Genetics and Counsyl).

NM_020975.6(RET):c.2452G>A (p.Glu818Lys)

Gene: RET (ret proto-oncogene; plus strand). Cytogenetic location: 10q11.21.
Variant type: single nucleotide variant.
Coding change: c.2452G>A on transcript NM_020975.6 (MANE Select); coding-DNA position 2452, G replaced by A.
Protein change: p.Glu818Lys; replaces glutamic acid 818 with lysine.
Molecular consequence: missense variant.
Genome position (GRCh38, 1-based): chr10:43,119,590, G>A. VCF-style: chr10-43119590-G-A. GRCh37 (hg19) VCF-style: chr10-43615038-G-A.
Other names: c.2452G>A, p.Glu818Lys (NM_000323.2, NM_001406743.1, NM_001406744.1 and 4 more transcripts); c.1690G>A, p.Glu564Lys (NM_001355216.2); c.2323G>A, p.Glu775Lys (NM_001406761.1, NM_001406762.1, NM_001406764.1); c.2317G>A, p.Glu773Lys (NM_001406763.1, NM_001406765.1); c.2164G>A, p.Glu722Lys (NM_001406766.1, NM_001406767.1, NM_001406770.1); c.2188G>A, p.Glu730Lys (NM_001406768.1); c.2056G>A, p.Glu686Lys (NM_001406769.1, NM_001406772.1); c.2014G>A, p.Glu672Lys (NM_001406771.1, NM_001406773.1); and 10 more; short protein forms E564K, E383K, E476K, E773K, E479K, E519K, E576K, E672K.
Identifiers: ClinVar variation 24943 (VCV000024943.26), dbSNP rs377767420, ClinGen allele CA008797.